The following is an entry in ClinVar:

ClinVar aggregate classification (germline): Uncertain significance (1 of 4 stars; one submission).

Conditions:
Cardiovascular phenotype. Identifiers: MedGen CN230736.

Submission:

Ambry Genetics
Classification: Uncertain significance for Cardiovascular phenotype. Last evaluated: 2024-07-07. Review status: criteria provided, single submitter. Criteria: Ambry Variant Classification Scheme 2023. Collection method: clinical testing. Allele origin: germline.
Comment: The p.S151N variant (also known as c.452G>A), located in coding exon 4 of the CASQ2 gene, results from a G to A substitution at nucleotide position 452. The serine at codon 151 is replaced by asparagine, an amino acid with highly similar properties. This amino acid position is conserved. In addition, this alteration is predicted to be tolerated by in silico analysis. Based on the available evidence, the clinical significance of this variant remains unclear.

NM_001232.4(CASQ2):c.452G>A (p.Ser151Asn)

Gene: CASQ2 (calsequestrin 2; minus strand). Cytogenetic location: 1p13.1.
Variant type: single nucleotide variant.
Coding change: c.452G>A on transcript NM_001232.4 (MANE Select); coding-DNA position 452, G replaced by A.
Protein change: p.Ser151Asn; replaces serine 151 with asparagine.
Molecular consequence: missense variant.
Genome position (GRCh38, 1-based): chr1:115,738,304, C>T on the plus strand (G>A on the coding strand, the complement: CASQ2 is on the minus strand). VCF-style: chr1-115738304-C-T. GRCh37 (hg19) VCF-style: chr1-116280925-C-T.
Other names: short protein forms S151N.
Identifiers: ClinVar variation 3485287 (VCV003485287.1).
Genomic context (GRCh38, chr1:115,738,304, plus strand): 5'-AAAAAGCCAATGAGTTTGATGTAGTCTTCAATGCGTTCGAAGGCTTGGACTTCCAGTTTG[C>T]TGCTGATGATCTCCACTGGGTCTTCAATTAGCTGAAATGCCACACGCACATACACACATG-3'
Protein context (NP_001223.2, residues 141-161): LIEDPVEIIS[Ser151Asn]KLEVQAFERI